The following is an entry in ClinVar:

ClinVar aggregate classification (germline): Likely benign. Review status: criteria provided, multiple submitters, no conflicts (2 of 4 stars). 4 submissions from 4 submitters: Likely benign (3). 1 of the submissions does not count toward it. Last evaluated 2026-07-01.

Conditions:
KARS1-related disorder. Also called: KARS1-related disorders.

Allele frequency attached by ClinVar (database versions not stated): gnomAD exomes 0.00111; TOPMed 0.00112; gnomAD 0.00193 and 0.00206; ExAC 0.02457.
gnomAD v4.1: 237 of 146,072 alleles (0.16%); highest among the groups gnomAD compares: African/African-American, 1%; no homozygotes.

Submissions (5):

CeGaT Center for Human Genetics Tuebingen
Classification: Likely benign. Last evaluated: 2026-07-01. Review status: criteria provided, single submitter. Criteria: CeGaT Center For Human Genetics Tuebingen Variant Classification Criteria Version 2. Collection method: clinical testing. Allele origin: germline. Affected: yes. Observed: 1 variant allele.
Comment: KARS1: BP4, BS1

Labcorp Genetics (formerly Invitae), Labcorp
Classification: Likely benign. Last evaluated: 2025-12-30. Review status: criteria provided, single submitter. Criteria: Invitae Variant Classification Sherloc (09022015). Collection method: clinical testing. Allele origin: germline.

Blueprint Genetics
Classification: Likely benign. Last evaluated: 2024-10-10. Review status: criteria provided, single submitter. Criteria: ACMG Guidelines, 2015. Collection method: clinical testing. Allele origin: germline.

PreventionGenetics, part of Exact Sciences
Classification: Benign for KARS1-related condition. Last evaluated: 2020-10-19. Review status: no assertion criteria provided. Collection method: clinical testing. Allele origin: germline. Not counted in ClinVar's aggregate classification.
Comment: This variant is classified as benign based on ACMG/AMP sequence variant interpretation guidelines (Richards et al. 2015 PMID: 25741868, with internal and published modifications).

Dr. Peter K. Rogan Lab, Western University
No classification provided (evidence only). Condition: Malignant tumor of urinary bladder. Review status: no classification provided. Collection method: in vitro. Allele origin: not applicable. Functional consequence: skipped exon, retained intron. Not counted in ClinVar's aggregate classification.

NM_005548.3(KARS1):c.223-6T>A

Gene: KARS1 (lysyl-tRNA synthetase 1; minus strand). Cytogenetic location: 16q23.1.
Variant type: single nucleotide variant.
Coding change: c.223-6T>A on transcript NM_005548.3 (MANE Select); 6 bases into the intron before coding-DNA position 223, T replaced by A.
Molecular consequence: intron variant.
Genome position (GRCh38, 1-based): chr16:75,640,355, A>T on the plus strand (T>A on the coding strand, the complement: KARS1 is on the minus strand). VCF-style: chr16-75640355-A-T. GRCh37 (hg19) VCF-style: chr16-75674253-A-T.
Other names: c.307-6T>A (NM_001130089.2, NM_001130089.1); c.-246-6T>A (NM_001378148.1).
Identifiers: ClinVar variation 1682451 (VCV001682451.13), dbSNP rs750616239, ClinGen allele CA8177698.